The following is an entry in ClinVar:

ClinVar aggregate classification (germline): Benign. Review status: criteria provided, multiple submitters, no conflicts (2 of 4 stars). 5 submissions from 5 submitters: Benign (4). 1 of the submissions does not count toward it. Last evaluated 2026-02-03.

Conditions:
KCNH1-related disorder. Also called: KCNH1-related disorders; KCNH1-related condition.

Allele frequency attached by ClinVar (database versions not stated): 1000 Genomes Project 30x 0.00609; 1000 Genomes Project 0.00659; gnomAD 0.01525 and 0.01574; gnomAD exomes 0.01690; ExAC 0.01736; ESP Exome Variant Server 0.01799.
gnomAD v4.1: 36,480 of 1,614,158 alleles (2.3%); highest among the groups gnomAD compares: Non-Finnish European, 2.7%; 465 homozygotes.

Submissions (5):

Labcorp Genetics (formerly Invitae), Labcorp
Classification: Benign. Last evaluated: 2026-02-03. Review status: criteria provided, single submitter. Criteria: Invitae Variant Classification Sherloc (09022015). Collection method: clinical testing. Allele origin: germline.

Mayo Clinic Laboratories, Mayo Clinic
Classification: Benign. Last evaluated: 2023-02-21. Review status: criteria provided, single submitter. Criteria: ACMG Guidelines, 2015. Collection method: clinical testing. Allele origin: germline. Observed: 26 variant alleles.
Comment: BS1, BS2, BP4, BP7

GeneDx
Classification: Benign. Last evaluated: 2018-08-10. Review status: criteria provided, single submitter. Criteria: GeneDx Variant Classification Process June 2021. Collection method: clinical testing. Allele origin: germline. Affected: yes.

Breakthrough Genomics
Classification: Benign. Review status: criteria provided, single submitter. Criteria: ACMG Guidelines, 2015. Collection method: not provided. Allele origin: germline. Inheritance: Autosomal dominant inheritance. Affected: yes.

PreventionGenetics, part of Exact Sciences
Classification: Benign for KCNH1-related condition. Last evaluated: 2019-03-13. Review status: no assertion criteria provided. Collection method: clinical testing. Allele origin: germline. Not counted in ClinVar's aggregate classification.
Comment: This variant is classified as benign based on ACMG/AMP sequence variant interpretation guidelines (Richards et al. 2015 PMID: 25741868, with internal and published modifications).

NM_172362.3(KCNH1):c.1098T>G (p.Arg366=)

Gene: KCNH1 (potassium voltage-gated channel subfamily H member 1; minus strand). Cytogenetic location: 1q32.2.
Variant type: single nucleotide variant.
Coding change: c.1098T>G on transcript NM_172362.3 (MANE Select); coding-DNA position 1098, T replaced by G.
Protein change: p.Arg366=; no amino-acid change (arginine 366 retained).
Molecular consequence: synonymous variant.
Genome position (GRCh38, 1-based): chr1:210,920,004, A>C on the plus strand (T>G on the coding strand, the complement: KCNH1 is on the minus strand). VCF-style: chr1-210920004-A-C. GRCh37 (hg19) VCF-style: chr1-211093346-A-C.
Other names: p.Arg366=; c.1017T>G, p.Arg339= (NM_002238.4).
Identifiers: ClinVar variation 1252169 (VCV001252169.14), dbSNP rs6679399, ClinGen allele CA1379916.